The following is an entry in ClinVar:

NM_147127.5(EVC2):c.199_208del (p.Ser67fs)

Gene: EVC2 (EvC ciliary complex subunit 2; minus strand). Cytogenetic location: 4p16.2.
Variant type: Deletion.
Coding change: c.199_208del on transcript NM_147127.5 (MANE Select); coding-DNA positions 199 to 208, 10 bases deleted (AGCGGGGCGG; older notation c.199_208delAGCGGGGCGG).
Protein change: p.Ser67fs; shifts the reading frame from serine 67.
Molecular consequence: frameshift variant. On other transcripts: intron variant (1).
Genome position (GRCh38, 1-based): chr4:5,708,306-5,708,315, CCGCCCCGCT deleted on the plus strand (AGCGGGGCGG on the coding strand, the reverse complement: EVC2 is on the minus strand); deleting any 10 consecutive bases within chr4:5,708,306-5,708,323 gives the same sequence; the c. name uses the placement nearest the transcript's 3' end. VCF-style (leftmost placement, unchanged base first): chr4-5708305-CCCGCCCCGCT-C. GRCh37 (hg19) VCF-style: chr4-5710032-CCCGCCCCGCT-C.
Other names: c.199_208del (NM_147127.4); c.-13+514_-13+523del (NM_001166136.2); c.199_208del10 (NM_147127.5); short protein forms S67fs.
Identifiers: ClinVar variation 555475 (VCV000555475.12), dbSNP rs1420414097, ClinGen allele CA658821180.
Genomic context (GRCh38, chr4:5,708,305, plus strand): 5'-CACTACAGTCAGACCGGAGCCTGGGGTCGGGCCCTCCTTACCTGCGTGCTGCTCTCGGGC[CCCGCCCCGCT>C]CCGCCCCGGAGGGATCCTCAGGCCGGGCCCAGACCTAGGAGCCACCTGGGGATCCCGGGG-3'

ClinVar aggregate classification (germline): Pathogenic/Likely pathogenic. Review status: criteria provided, multiple submitters, no conflicts (2 of 4 stars). 4 submissions from 4 submitters: Pathogenic (2); Likely pathogenic (1). 1 of the submissions does not count toward it. Last evaluated 2025-05-22.

Conditions:
Curry-Hall syndrome (WAD). Also called: WEYERS ACRODENTAL DYSOSTOSIS. Identifiers: Orphanet 952, MedGen C0457013, MONDO:0008673, OMIM 193530.
Ellis-van Creveld syndrome (EVC). Also called: EVC2-Related Ellis-van Creveld Syndrome; EVC-Related Ellis-van Creveld Syndrome; MESOECTODERMAL DYSPLASIA; Chondroectodermal dysplasia. Identifiers: Orphanet 289, MedGen C0013903, MONDO:0009162, OMIM 225500.

Submissions (4):

Women's Health and Genetics/Laboratory Corporation of America, LabCorp
Classification: Pathogenic for Ellis-van Creveld syndrome. Last evaluated: 2025-05-22. Review status: criteria provided, single submitter. Criteria: LabCorp Variant Classification Summary - May 2015. Collection method: clinical testing. Allele origin: germline.
Comment: Variant summary: EVC2 c.199_208del10 (p.Ser67GlyfsX12) results in a premature termination codon, predicted to cause a truncation of the encoded protein or absence of the protein due to nonsense mediated decay, which are commonly known mechanisms for disease. The variant allele was found at a frequency of 2.3e-05 in 1461936 control chromosomes (gnomAD). This frequency is not significantly higher than estimated for a pathogenic variant in EVC2 causing Ellis-van Creveld syndrome (2.3e-05 vs 0.0029), allowing no conclusion about variant significance. To our knowledge, no occurrence of c.199_208del10 in individuals affected with Ellis-van Creveld syndrome and no experimental evidence demonstrating its impact on protein function have been reported. ClinVar contains an entry for this variant (Variation ID: 555475). Based on the evidence outlined above, the variant was classified as pathogenic.

Fulgent Genetics
Classification: Likely pathogenic for Curry-Hall syndrome; Ellis-van Creveld syndrome. Last evaluated: 2024-02-28. Review status: criteria provided, single submitter. Criteria: ACMG Guidelines, 2015. Collection method: clinical testing. Allele origin: germline.

Labcorp Genetics (formerly Invitae), Labcorp
Classification: Pathogenic for Curry-Hall syndrome; Ellis-van Creveld syndrome. Last evaluated: 2023-06-04. Review status: criteria provided, single submitter. Criteria: Invitae Variant Classification Sherloc (09022015). Collection method: clinical testing. Allele origin: germline.
Comment: For these reasons, this variant has been classified as Pathogenic. ClinVar contains an entry for this variant (Variation ID: 555475). This variant has not been reported in the literature in individuals affected with EVC2-related conditions. This variant is not present in population databases (gnomAD no frequency). This sequence change creates a premature translational stop signal (p.Ser67Glyfs*12) in the EVC2 gene. It is expected to result in an absent or disrupted protein product. Loss-of-function variants in EVC2 are known to be pathogenic (PMID: 17024374, 19810119, 19876929).

Counsyl
Classification: Likely pathogenic for Ellis-van Creveld syndrome. Last evaluated: 2017-12-14. Review status: no assertion criteria provided. Collection method: clinical testing. Allele origin: unknown. Not counted in ClinVar's aggregate classification.

Literature cited by the submitters: PubMed 17024374 (cited by Labcorp Genetics (formerly Invitae), Labcorp); PubMed 19810119 (cited by Labcorp Genetics (formerly Invitae), Labcorp); PubMed 19876929 (cited by Labcorp Genetics (formerly Invitae), Labcorp).